The following is an entry in ClinVar:

ClinVar aggregate classification (germline): Uncertain significance (1 of 4 stars; one submission).

Submission:

Labcorp Genetics (formerly Invitae), Labcorp
Classification: Uncertain significance. Last evaluated: 2023-12-22. Review status: criteria provided, single submitter. Criteria: Invitae Variant Classification Sherloc (09022015). Collection method: clinical testing. Allele origin: germline.
Comment: This sequence change affects codon 137 of the NOG mRNA. It is a 'silent' change, meaning that it does not change the encoded amino acid sequence of the NOG protein. This variant is not present in population databases (gnomAD no frequency). This variant has not been reported in the literature in individuals affected with NOG-related conditions. In summary, the available evidence is currently insufficient to determine the role of this variant in disease. Therefore, it has been classified as a Variant of Uncertain Significance.

NM_005450.6(NOG):c.411A>C (p.Leu137=)

Gene: NOG (noggin; plus strand). Cytogenetic location: 17q22.
Variant type: single nucleotide variant.
Coding change: c.411A>C on transcript NM_005450.6 (MANE Select); coding-DNA position 411, A replaced by C.
Protein change: p.Leu137=; no amino-acid change (leucine 137 retained).
Molecular consequence: synonymous variant.
Genome position (GRCh38, 1-based): chr17:56,594,634, A>C. VCF-style: chr17-56594634-A-C. GRCh37 (hg19) VCF-style: chr17-54671995-A-C.
Identifiers: ClinVar variation 2980641 (VCV002980641.3), dbSNP rs2545137768, ClinGen allele CA500985394.